The following is an entry in ClinVar:

NM_002485.5(NBN):c.1453A>T (p.Thr485Ser)

Gene: NBN (nibrin; minus strand). Cytogenetic location: 8q21.3.
Variant type: single nucleotide variant.
Coding change: c.1453A>T on transcript NM_002485.5 (MANE Select); coding-DNA position 1453, A replaced by T.
Protein change: p.Thr485Ser; replaces threonine 485 with serine.
Molecular consequence: missense variant.
Genome position (GRCh38, 1-based): chr8:89,953,636, T>A on the plus strand (A>T on the coding strand, the complement: NBN is on the minus strand). VCF-style: chr8-89953636-T-A. GRCh37 (hg19) VCF-style: chr8-90965864-T-A.
Other names: c.1207A>T, p.Thr403Ser (NM_001024688.3); short protein forms T403S, T485S.
Identifiers: ClinVar variation 819255 (VCV000819255.10), dbSNP rs1586054649, ClinGen allele CA371655816.

ClinVar aggregate classification (germline): Uncertain significance. Review status: criteria provided, multiple submitters, no conflicts (2 of 4 stars). 2 submissions from 2 submitters: Uncertain significance (2). Last evaluated 2021-08-15.

Conditions:
Hereditary cancer-predisposing syndrome. Also called: Hereditary Cancer Syndrome; Neoplastic Syndromes, Hereditary; Hereditary neoplastic syndrome; Tumor predisposition. Identifiers: Orphanet 140162, MedGen C0027672, MeSH D009386, MONDO:0015356.
Microcephaly, normal intelligence and immunodeficiency (NBS). Also called: Nijmegen breakage syndrome; Microcephaly with normal intelligence immunodeficiency and lymphoreticular malignancies; Nonsyndromal microcephaly autosomal recessive with normal intelligence; Seemanova syndrome 2; Immunodeficiency, microcephaly with normal intelligence; Ataxia telangiectasia variant V1. Identifiers: Orphanet 647, MedGen C0398791, MONDO:0009623, OMIM 251260.

Submissions (2):

Labcorp Genetics (formerly Invitae), Labcorp
Classification: Uncertain significance for Microcephaly, normal intelligence and immunodeficiency. Last evaluated: 2021-08-15. Review status: criteria provided, single submitter. Criteria: Invitae Variant Classification Sherloc (09022015). Collection method: clinical testing. Allele origin: germline.
Comment: This sequence change replaces threonine with serine at codon 485 of the NBN protein (p.Thr485Ser). The threonine residue is weakly conserved and there is a small physicochemical difference between threonine and serine. This variant is not present in population databases (ExAC no frequency). This variant has not been reported in the literature in individuals affected with NBN-related conditions. ClinVar contains an entry for this variant (Variation ID: 819255). Algorithms developed to predict the effect of missense changes on protein structure and function (SIFT, PolyPhen-2, Align-GVGD) all suggest that this variant is likely to be tolerated. In summary, the available evidence is currently insufficient to determine the role of this variant in disease. Therefore, it has been classified as a Variant of Uncertain Significance.

Ambry Genetics
Classification: Uncertain significance for Hereditary cancer-predisposing syndrome. Last evaluated: 2019-08-27. Review status: criteria provided, single submitter. Criteria: Ambry Variant Classification Scheme 2023. Collection method: clinical testing. Allele origin: germline.
Comment: The p.T485S variant (also known as c.1453A>T), located in coding exon 11 of the NBN gene, results from an A to T substitution at nucleotide position 1453. The threonine at codon 485 is replaced by serine, an amino acid with similar properties. This amino acid position is poorly conserved in available vertebrate species. In addition, this alteration is predicted to be tolerated by in silico analysis. Since supporting evidence is limited at this time, the clinical significance of this alteration remains unclear.